The following is an entry in ClinVar:

NM_145068.4(TRPV3):c.1703G>A (p.Gly568Asp)

Gene: TRPV3 (transient receptor potential cation channel subfamily V member 3; minus strand). Cytogenetic location: 17p13.2.
Variant type: single nucleotide variant.
Coding change: c.1703G>A on transcript NM_145068.4 (MANE Select); coding-DNA position 1703, G replaced by A.
Protein change: p.Gly568Asp; replaces glycine 568 with aspartic acid.
Molecular consequence: missense variant.
Genome position (GRCh38, 1-based): chr17:3,524,238, C>T on the plus strand (G>A on the coding strand, the complement: TRPV3 is on the minus strand). VCF-style: chr17-3524238-C-T. GRCh37 (hg19) VCF-style: chr17-3427532-C-T.
Other names: c.1703G>A, p.Gly568Asp (NM_001258205.2); short protein forms G568D.
Identifiers: ClinVar variation 372610 (VCV000372610.3), dbSNP rs1057517884, ClinGen allele CA16043106.

ClinVar aggregate classification (germline): Pathogenic/Likely pathogenic. Review status: criteria provided, multiple submitters, no conflicts (2 of 4 stars). 2 submissions from 2 submitters: Pathogenic (1); Likely pathogenic (1). Last evaluated 2020-01-14.

Conditions:
TRPV3-related disorder. Also called: TRPV3-related condition.

Submissions (2):

Blueprint Genetics
Classification: Likely pathogenic for TRPV3-related disorders. Last evaluated: 2020-01-14. Review status: criteria provided, single submitter. Criteria: ACMG Guidelines, 2015. Collection method: clinical testing. Allele origin: germline. Affected: yes. Observed: 1 variant allele.

GeneDx
Classification: Pathogenic. Last evaluated: 2016-11-02. Review status: criteria provided, single submitter. Criteria: GeneDx Variant Classification (06012015). Collection method: clinical testing. Allele origin: germline. Affected: yes.
Comment: The G568D pathogenic variant in the TRPV3 gene has been reported twice in the heterozygous state in unrelated patients with Olmsted syndrome. The variant occurred de novo in one of these probands (Wilson et al., 2015). In contrast, the G568D variant was not observed in approximately 6,500 individuals of European and African American ancestry in the NHLBI Exome Sequencing Project, indicating it is not a common benign variant in these populations. G568D is a non-conservative amino acid substitution, which is likely to impact secondary protein structure as these residues differ in polarity, charge, size and/or other properties. This substitution occurs at a position that is highly conserved across species and in silico analysis predicts this variant is probably damaging to the protein structure/function. Additionally, missense variants at the same (G568C/V) and in nearby residues (G573C/S/A/V) have been reported in the Human Gene Mutation Database in association with Olmsted syndrome (Stenson et al., 2014), supporting the functional importance of this region of the protein. Therefore, we interpret G568D as a pathogenic variant.